The following is an entry in ClinVar:

NM_001368067.1(LDB3):c.432C>T (p.Gly144=)

Genes: LDB3 (LIM domain binding 3; plus strand), LOC110121486 (VISTA enhancer hs2143; plus strand). Cytogenetic location: 10q23.2.
Variant type: single nucleotide variant.
Coding change: c.432C>T on transcript NM_001368067.1 (MANE Plus Clinical); coding-DNA position 432, C replaced by T.
Protein change: p.Gly144=; no amino-acid change (glycine 144 retained).
Molecular consequence: synonymous variant. On other transcripts: intron variant (5).
Genome position (GRCh38, 1-based): chr10:86,687,156, C>T. VCF-style: chr10-86687156-C-T. GRCh37 (hg19) VCF-style: chr10-88446913-C-T.
Other names: c.432C>T, p.Gly144= (NM_001080114.2, NM_001080116.1, NM_001368066.1 and 1 more transcripts); c.777C>T, p.Gly259= (NM_001171610.2, NM_001171611.2); c.690-4740C>T (NM_001368064.1, NM_001368063.1, NM_007078.3 and 2 more transcripts); c.432C>T (NM_001080114.1).
Identifiers: ClinVar variation 1133144 (VCV001133144.10), dbSNP rs558590519, ClinGen allele CA5584822.

ClinVar aggregate classification (germline): Likely benign. Review status: criteria provided, multiple submitters, no conflicts (2 of 4 stars). 2 submissions from 2 submitters: Likely benign (2). Last evaluated 2026-01-12.

Conditions:
Myofibrillar myopathy 4. Also called: Zaspopathy (type). Identifiers: Orphanet 98912, MedGen C4721886, MONDO:0012277, OMIM 609452.
LDB3-related disorder. Also called: LDB3-related condition.

Allele frequency attached by ClinVar (database versions not stated): TOPMed below 0.00001; gnomAD 0.00001; ExAC 0.00002; gnomAD exomes 0.00002; 1000 Genomes Project 0.00020; 1000 Genomes Project 30x 0.00031.
gnomAD v4.1: 29 of 1,614,210 alleles (0.0018%); highest among the groups gnomAD compares: South Asian, 0.02%; no homozygotes.

Submissions (2):

Labcorp Genetics (formerly Invitae), Labcorp
Classification: Likely benign for Myofibrillar myopathy 4. Last evaluated: 2026-01-12. Review status: criteria provided, single submitter. Criteria: Invitae Variant Classification Sherloc (09022015). Collection method: clinical testing. Allele origin: germline.

PreventionGenetics, part of Exact Sciences
Classification: Likely benign for LDB3-related condition. Last evaluated: 2024-10-07. Review status: criteria provided, single submitter. Criteria: ACMG Guidelines, 2015. Collection method: clinical testing. Allele origin: germline.
Comment: This variant is classified as likely benign based on ACMG/AMP sequence variant interpretation guidelines (Richards et al. 2015 PMID: 25741868, with internal and published modifications).